The following is an entry in ClinVar:

ClinVar aggregate classification (germline): Uncertain significance (1 of 4 stars; one submission).

gnomAD v4.1: 1 of 1,606,062 alleles (0.000062%); highest among the groups gnomAD compares: Non-Finnish European, 0.000085%; no homozygotes.

Submission:

GeneDx
Classification: Uncertain significance. Last evaluated: 2022-05-12. Review status: criteria provided, single submitter. Criteria: GeneDx Variant Classification Process June 2021. Collection method: clinical testing. Allele origin: germline. Affected: yes.
Comment: In silico analysis supports that this missense variant does not alter protein structure/function; Has not been previously published as pathogenic or benign to our knowledge

NM_001012426.2(FOXP4):c.1729G>T (p.Ala577Ser)

Gene: FOXP4 (forkhead box P4; plus strand). Cytogenetic location: 6p21.1.
Variant type: single nucleotide variant.
Coding change: c.1729G>T on transcript NM_001012426.2 (MANE Select); coding-DNA position 1729, G replaced by T.
Protein change: p.Ala577Ser; replaces alanine 577 with serine.
Molecular consequence: missense variant.
Genome position (GRCh38, 1-based): chr6:41,597,784, G>T. VCF-style: chr6-41597784-G-T. GRCh37 (hg19) VCF-style: chr6-41565522-G-T.
Other names: c.1723G>T, p.Ala575Ser (NM_001012427.2); c.1693G>T, p.Ala565Ser (NM_001405824.1); c.1633G>T, p.Ala545Ser (NM_001405825.1); c.1597G>T, p.Ala533Ser (NM_001405826.1); c.1690G>T, p.Ala564Ser (NM_138457.3); short protein forms A533S, A545S, A564S, A565S, A575S, A577S.
Identifiers: ClinVar variation 1723851 (VCV001723851.2), dbSNP rs749742109, ClinGen allele CA364070357.